The following is an entry in ClinVar:

ClinVar aggregate classification (germline): Uncertain significance (1 of 4 stars; one submission).

Conditions:
Autosomal recessive limb-girdle muscular dystrophy type 2Y (MRRSDC). Also called: Muscular dystrophy, limb-girdle, type 2y; Muscular dystrophy, autosomal recessive, with rigid spine and distal joint contractures. Identifiers: Orphanet 424261, MedGen C4511482, MONDO:0014900, OMIM 617072.

Allele frequency attached by ClinVar (database versions not stated): gnomAD exomes below 0.00001.
gnomAD v4.1: 1 of 1,609,506 alleles (0.000062%); highest among the groups gnomAD compares: Non-Finnish European, 0.000085%; no homozygotes.

Submission:

Labcorp Genetics (formerly Invitae), Labcorp
Classification: Uncertain significance for Autosomal recessive limb-girdle muscular dystrophy type 2Y. Last evaluated: 2019-03-05. Review status: criteria provided, single submitter. Criteria: Invitae Variant Classification Sherloc (09022015). Collection method: clinical testing. Allele origin: germline.
Comment: In summary, the available evidence is currently insufficient to determine the role of this variant in disease. Therefore, it has been classified as a Variant of Uncertain Significance. Nucleotide substitutions within the consensus splice site are a relatively common cause of aberrant splicing (PMID: 17576681, 9536098). Algorithms developed to predict the effect of sequence changes on RNA splicing suggest that this variant may disrupt the consensus splice site, but this prediction has not been confirmed by published transcriptional studies. This variant has not been reported in the literature in individuals with TOR1AIP1-related conditions. This variant is not present in population databases (ExAC no frequency). This sequence change falls in intron 8 of the TOR1AIP1 gene. It does not directly change the encoded amino acid sequence of the TOR1AIP1 protein, but it affects a nucleotide within the consensus splice site of the intron.

Literature cited by the submitters: PubMed 17576681; PubMed 9536098.

NM_015602.4(TOR1AIP1):c.907+6T>G

Gene: TOR1AIP1 (torsin 1A interacting protein 1; plus strand). Cytogenetic location: 1q25.2.
Variant type: single nucleotide variant.
Coding change: c.907+6T>G on transcript NM_015602.4 (MANE Select); 6 bases into the intron after coding-DNA position 907, T replaced by G.
Molecular consequence: intron variant.
Genome position (GRCh38, 1-based): chr1:179,908,679, T>G. VCF-style: chr1-179908679-T-G. GRCh37 (hg19) VCF-style: chr1-179877814-T-G.
Other names: c.910+6T>G (NM_001267578.2).
Identifiers: ClinVar variation 859713 (VCV000859713.9), dbSNP rs1648731719, ClinGen allele CA916082093.
Genomic context (GRCh38, chr1:179,908,679, plus strand): 5'-AAAACTCCCCAGGAATGGGCCCCACAAACTGCAAGAATAAGGACCAGGATGCAAAGTAAG[T>G]AGATAAATCTCTGTTATTGAAATAATCTTGTGTATTTGCTATGTTTTTCTTGACAAAAAT-3'